The following is an entry in ClinVar:

ClinVar aggregate classification (germline): Uncertain significance (1 of 4 stars; one submission).

Conditions:
Cardiomyopathy (CMYO). Also called: Cardiomyopathies. Identifiers: Orphanet 167848, MedGen C0878544, MONDO:0004994, HP:0001638. Inheritance: Various modes of inheritance.

Submission:

Color Diagnostics, LLC DBA Color Health
Classification: Uncertain significance for Cardiomyopathy. Last evaluated: 2024-03-06. Review status: criteria provided, single submitter. Criteria: ACMG Guidelines, 2015. Collection method: clinical testing. Allele origin: germline.
Comment: This missense variant replaces glutamic acid with lysine at codon 1401 of the MYH7 protein. Computational prediction suggests that this variant may have deleterious impact on protein structure and function (internally defined REVEL score threshold >= 0.7, PMID: 27666373). To our knowledge, functional studies have not been reported for this variant. This variant has not been reported in individuals affected with cardiovascular disorders in the literature. This variant has not been identified in the general population by the Genome Aggregation Database (gnomAD). The available evidence is insufficient to determine the role of this variant in disease conclusively. Therefore, this variant is classified as a Variant of Uncertain Significance.

NM_000257.4(MYH7):c.4201G>A (p.Glu1401Lys)

Gene: MYH7 (myosin heavy chain 7; minus strand). Cytogenetic location: 14q11.2.
Variant type: single nucleotide variant.
Coding change: c.4201G>A on transcript NM_000257.4 (MANE Select); coding-DNA position 4201, G replaced by A.
Protein change: p.Glu1401Lys; replaces glutamic acid 1401 with lysine.
Molecular consequence: missense variant.
Genome position (GRCh38, 1-based): chr14:23,417,655, C>T on the plus strand (G>A on the coding strand, the complement: MYH7 is on the minus strand). VCF-style: chr14-23417655-C-T. GRCh37 (hg19) VCF-style: chr14-23886864-C-T.
Other names: short protein forms E1401K.
Identifiers: ClinVar variation 1171634 (VCV001171634.3), dbSNP rs2138646903, ClinGen allele CA389040525.